The following is an entry in ClinVar:

NM_002474.3(MYH11):c.3765G>T (p.Lys1255Asn)

Gene: MYH11 (myosin heavy chain 11; minus strand). Cytogenetic location: 16p13.11.
Variant type: single nucleotide variant.
Coding change: c.3765G>T on transcript NM_002474.3 (MANE Select); coding-DNA position 3765, G replaced by T.
Protein change: p.Lys1255Asn; replaces lysine 1255 with asparagine.
Molecular consequence: missense variant.
Genome position (GRCh38, 1-based): chr16:15,726,941, C>A on the plus strand (G>T on the coding strand, the complement: MYH11 is on the minus strand). VCF-style: chr16-15726941-C-A. GRCh37 (hg19) VCF-style: chr16-15820798-C-A.
Other names: c.3786G>T, p.Lys1262Asn (NM_001040113.2, NM_001040114.2); c.3765G>T, p.Lys1255Asn (NM_022844.3); short protein forms K1255N, K1262N.
Identifiers: ClinVar variation 665023 (VCV000665023.13), dbSNP rs1596738517, ClinGen allele CA394860107.
Genomic context (GRCh38, chr16:15,726,941, plus strand): 5'-CCGGGCCCGCTCCCCATCGCTGCACTTGGACTGCAGCTCCTGCACCTGCGCCTCCAGCTT[C>A]TTCTTCTTATGTTCCACCTCCTGCTTGGCCTGGCCCAGGACCCGCAGCTCCCCGGCCAGG-3'
Protein context (NP_002465.1, residues 1245-1265): QAKQEVEHKK[Lys1255Asn]KLEAQVQELQ

ClinVar aggregate classification (germline): Uncertain significance. Review status: criteria provided, multiple submitters, no conflicts (2 of 4 stars). 3 submissions from 3 submitters: Uncertain significance (3). Last evaluated 2024-09-12.

Conditions:
Aortic aneurysm, familial thoracic 4 (AAT4). Also called: AORTIC ANEURYSM/AORTIC DISSECTION AND PATENT DUCTUS ARTERIOSUS. Identifiers: MedGen C1851504, MONDO:0007568, OMIM 132900.
Familial thoracic aortic aneurysm and aortic dissection (TAAD). Also called: Thoracic aortic aneurysms and dissections. Identifiers: Orphanet 91387, MedGen C4707243, MONDO:0019625.

Allele frequency attached by ClinVar (database versions not stated): gnomAD exomes below 0.00001; TOPMed below 0.00001; gnomAD 0.00001.
gnomAD v4.1: 5 of 1,613,286 alleles (0.00031%); highest among the groups gnomAD compares: Non-Finnish European, 0.00042%; no homozygotes.

Submissions (3):

Labcorp Genetics (formerly Invitae), Labcorp
Classification: Uncertain significance for Aortic aneurysm, familial thoracic 4. Last evaluated: 2024-09-12. Review status: criteria provided, single submitter. Criteria: Invitae Variant Classification Sherloc (09022015). Collection method: clinical testing. Allele origin: germline.
Comment: This sequence change replaces lysine, which is basic and polar, with asparagine, which is neutral and polar, at codon 1262 of the MYH11 protein (p.Lys1262Asn). This variant is not present in population databases (gnomAD no frequency). This variant has not been reported in the literature in individuals affected with MYH11-related conditions. ClinVar contains an entry for this variant (Variation ID: 665023). Invitae Evidence Modeling of protein sequence and biophysical properties (such as structural, functional, and spatial information, amino acid conservation, physicochemical variation, residue mobility, and thermodynamic stability) indicates that this missense variant is not expected to disrupt MYH11 protein function with a negative predictive value of 95%. In summary, the available evidence is currently insufficient to determine the role of this variant in disease. Therefore, it has been classified as a Variant of Uncertain Significance.

Color Diagnostics, LLC DBA Color Health
Classification: Uncertain significance for Familial thoracic aortic aneurysm and aortic dissection. Last evaluated: 2024-03-06. Review status: criteria provided, single submitter. Criteria: ACMG Guidelines, 2015. Collection method: clinical testing. Allele origin: germline.
Comment: This missense variant replaces lysine with asparagine at codon 1262 of the MYH11 protein. Computational prediction is inconclusive regarding the impact of this variant on protein structure and function (internally defined REVEL score threshold 0.5 < inconclusive < 0.7, PMID: 27666373). To our knowledge, functional studies have not been reported for this variant. This variant has not been reported in individuals affected with MYH11-related disorders in the literature. This variant has not been identified in the general population by the Genome Aggregation Database (gnomAD). The available evidence is insufficient to determine the role of this variant in disease conclusively. Therefore, this variant is classified as a Variant of Uncertain Significance.

All of Us Research Program, National Institutes of Health
Classification: Uncertain significance for Familial thoracic aortic aneurysm and aortic dissection. Last evaluated: 2023-06-15. Review status: criteria provided, single submitter. Criteria: ACMG Guidelines, 2015. Collection method: clinical testing. Allele origin: germline. Inheritance: Autosomal dominant inheritance. Observed: 1 variant allele, 1 heterozygote.
Comment: This missense variant replaces lysine with asparagine at codon 1262 of the MYH11 protein. Computational prediction is inconclusive regarding the impact of this variant on protein structure and function (internally defined REVEL score threshold 0.5 < inconclusive < 0.7, PMID: 27666373). Splice site prediction tools suggest that this variant may not impact RNA splicing. To our knowledge, functional studies have not been performed for this variant. This variant has not been reported in individuals affected with cardiovascular disorders in the literature. This variant has not been identified in the general population by the Genome Aggregation Database (gnomAD). The available evidence is insufficient to determine the role of this variant in disease conclusively. Therefore, this variant is classified as a Variant of Uncertain Significance.

This study involves interpretation of variants in research participants for the purpose of population health screening. Participant phenotype was not available at the time of variant classification. Additional details can be found in publication PMID: 35346344, PMCID: PMC8962531